The following is an entry in ClinVar:

ClinVar aggregate classification (germline): conflicting data from submitters (0 of 4 stars; one submission).

Submission:

GeneDx
Classification: conflicting data from submitters. Last evaluated: 2011-04-30. Review status: no assertion criteria provided. Collection method: clinical testing. Allele origin: unknown. Affected: yes. Observed: 2 variant alleles.
Comment: Uncertain significance(1), Likely benign (1)

GRCh38/hg38 13q21.32(chr13:66529771-66592227)x1

Genes: PCDH9 (protocadherin 9; minus strand), LOC124900161 (Sharpr-MPRA regulatory region 12707; plus strand). Cytogenetic location: 13q21.32.
Variant type: copy number loss.
Change: copy number 1 (one copy instead of two) of chr13:66,529,771-66,592,227 (62.5 kb, GRCh38 coordinates, 1-based), cytogenetic band 13q21.32.
Identifiers: ClinVar variation 152622 (VCV000152622.2).